The following is an entry in ClinVar:

NM_001367624.2(ZNF469):c.10183G>C (p.Glu3395Gln)

Gene: ZNF469 (zinc finger protein 469; plus strand). Cytogenetic location: 16q24.2.
Variant type: single nucleotide variant.
Coding change: c.10183G>C on transcript NM_001367624.2 (MANE Select); coding-DNA position 10183, G replaced by C.
Protein change: p.Glu3395Gln; replaces glutamic acid 3395 with glutamine.
Molecular consequence: missense variant.
Genome position (GRCh38, 1-based): chr16:88,437,653, G>C. VCF-style: chr16-88437653-G-C. GRCh37 (hg19) VCF-style: chr16-88504061-G-C.
Other names: NM_001127464.1:c.10099G>C; short protein forms E3395Q.
Identifiers: ClinVar variation 1468578 (VCV001468578.8), dbSNP rs1177915490, ClinGen allele CA397126009.

ClinVar aggregate classification (germline): Uncertain significance. Review status: criteria provided, multiple submitters, no conflicts (2 of 4 stars). 3 submissions from 3 submitters: Uncertain significance (3). Last evaluated 2025-09-02.

Conditions:
Cardiovascular phenotype. Identifiers: MedGen CN230736.

Submissions (3):

Women's Health and Genetics/Laboratory Corporation of America, LabCorp
Classification: Uncertain significance. Last evaluated: 2025-09-02. Review status: criteria provided, single submitter. Criteria: LabCorp Variant Classification Summary - May 2015. Collection method: clinical testing. Allele origin: germline.
Comment: Variant summary: ZNF469 c.10183G>C (p.Glu3395Gln) results in a conservative amino acid change in the encoded protein sequence. Algorithms developed to predict the effect of missense changes on protein structure and function are either unavailable or do not agree on the potential impact of this missense change. The variant was absent in 143022 control chromosomes. The available data on variant occurrences in the general population are insufficient to allow any conclusion about variant significance. To our knowledge, no occurrence of c.10183G>C in individuals affected with ZNF469-related conditions and no experimental evidence demonstrating its impact on protein function have been reported. ClinVar contains an entry for this variant (Variation ID: 1468578). Based on the evidence outlined above, the variant was classified as uncertain significance.

Ambry Genetics
Classification: Uncertain significance for Cardiovascular phenotype. Last evaluated: 2024-02-17. Review status: criteria provided, single submitter. Criteria: Ambry Variant Classification Scheme 2023. Collection method: clinical testing. Allele origin: germline.
Comment: The p.E3367Q variant (also known as c.10099G>C), located in coding exon 2 of the ZNF469 gene, results from a G to C substitution at nucleotide position 10099. The glutamic acid at codon 3367 is replaced by glutamine, an amino acid with highly similar properties. This amino acid position is conserved. In addition, this alteration is predicted to be tolerated by in silico analysis. Based on the available evidence, the clinical significance of this alteration remains unclear.

Labcorp Genetics (formerly Invitae), Labcorp
Classification: Uncertain significance. Last evaluated: 2022-03-10. Review status: criteria provided, single submitter. Criteria: Invitae Variant Classification Sherloc (09022015). Collection method: clinical testing. Allele origin: germline.
Comment: In summary, the available evidence is currently insufficient to determine the role of this variant in disease. Therefore, it has been classified as a Variant of Uncertain Significance. Algorithms developed to predict the effect of missense changes on protein structure and function are either unavailable or do not agree on the potential impact of this missense change (SIFT: "Deleterious"; PolyPhen-2: "Probably Damaging"; Align-GVGD: "Class C0"). This variant has not been reported in the literature in individuals affected with ZNF469-related conditions. This variant is not present in population databases (gnomAD no frequency). This sequence change replaces glutamic acid, which is acidic and polar, with glutamine, which is neutral and polar, at codon 3367 of the ZNF469 protein (p.Glu3367Gln).